The following is an entry in ClinVar:

NM_005505.5(SCARB1):c.726+54C>T

Gene: SCARB1 (scavenger receptor class B member 1; minus strand). Cytogenetic location: 12q24.31.
Variant type: single nucleotide variant.
Coding change: c.726+54C>T on transcript NM_005505.5 (MANE Select); 54 bases into the intron after coding-DNA position 726, C replaced by T.
Molecular consequence: intron variant.
Genome position (GRCh38, 1-based): chr12:124,811,816, G>A on the plus strand (C>T on the coding strand, the complement: SCARB1 is on the minus strand). VCF-style: chr12-124811816-G-A. GRCh37 (hg19) VCF-style: chr12-125296362-G-A.
Other names: c.726+54C>T (NM_001367988.1, NM_001367985.1, NM_001367987.1 and 6 more transcripts); c.603+54C>T (NM_001367982.1).
Identifiers: ClinVar variation 1250072 (VCV001250072.3), dbSNP rs61932577, ClinGen allele CA245225005.

ClinVar aggregate classification (germline): Benign. Review status: criteria provided, multiple submitters, no conflicts (2 of 4 stars). 2 submissions from 2 submitters: Benign (2). Last evaluated 2019-05-10.

Allele frequency attached by ClinVar (database versions not stated): 1000 Genomes Project 0.03335; 1000 Genomes Project 30x 0.03498.
gnomAD v4.1: 106,651 of 1,298,030 alleles (8.2%); highest among the groups gnomAD compares: Non-Finnish European, 10%; 5,172 homozygotes.

Submissions (2):

GeneDx
Classification: Benign. Last evaluated: 2019-05-10. Review status: criteria provided, single submitter. Criteria: GeneDx Variant Classification Process June 2021. Collection method: clinical testing. Allele origin: germline. Affected: yes.
Comment: This variant is associated with the following publications: (PMID: 10397692)

Breakthrough Genomics
Classification: Benign. Review status: criteria provided, single submitter. Criteria: ACMG Guidelines, 2015. Collection method: not provided. Allele origin: germline. Inheritance: Unknown mechanism. Affected: yes.